The following is an entry in ClinVar:

ClinVar aggregate classification (germline): Conflicting classifications of pathogenicity. Review status: criteria provided, conflicting classifications (1 of 4 stars). 3 submissions from 3 submitters: Likely pathogenic (2); Uncertain significance (1). Last evaluated 2023-08-07.

Conditions:
Neuronal ceroid lipofuscinosis. Also called: Neuronal Ceroid Lipofuscinoses. Identifiers: Orphanet 216, Orphanet 79263, MedGen C0027877, MONDO:0016295. Disease mechanism: loss of function.
Neuronal ceroid lipofuscinosis 8 (CLN8). Also called: CLN8-Related Neuronal Ceroid-Lipofuscinosis. Identifiers: Orphanet 168491, Orphanet 228354, Orphanet 79264, MedGen C1838570, MONDO:0010830, OMIM 600143.

Submissions (3):

3billion
Classification: Likely pathogenic for Neuronal ceroid lipofuscinosis 8. Last evaluated: 2023-08-07. Review status: criteria provided, single submitter. Criteria: ACMG Guidelines, 2015. Collection method: clinical testing. Allele origin: germline. Affected: yes.
Comment: The variant is not observed in the gnomAD v2.1.1 dataset. Predicted Consequence/Location: Missense variant In silico tool predictions suggest damaging effect of the variant on gene or gene product [REVEL: 0.81 (>=0.6, sensitivity 0.68 and specificity 0.92); 3Cnet: 1.00 (>=0.6, sensitivity 0.72 and precision 0.9)]. Same nucleotide change resulting in same amino acid change has been previously reported to be associated with CLN8 related disorder (ClinVar ID: VCV001063566).Different missense changes at the same codon (p.Arg70Cys, p.Arg70His) have been reported as pathogenic/likely pathogenic with strong evidence (ClinVar ID: VCV000056704, VCV000242453 /PMID: 21990111). Therefore, this variant is classified as Likely pathogenic according to the recommendation of ACMG/AMP guideline.

Mendelics
Classification: Likely pathogenic for Neuronal ceroid lipofuscinosis 8. Last evaluated: 2022-05-04. Review status: criteria provided, single submitter. Criteria: Mendelics Assertion Criteria 2019. Collection method: clinical testing. Allele origin: germline.

Labcorp Genetics (formerly Invitae), Labcorp
Classification: Uncertain significance for Neuronal ceroid lipofuscinosis. Last evaluated: 2021-08-30. Review status: criteria provided, single submitter. Criteria: Invitae Variant Classification Sherloc (09022015). Collection method: clinical testing. Allele origin: germline.
Comment: This sequence change replaces arginine with proline at codon 70 of the CLN8 protein (p.Arg70Pro). The arginine residue is highly conserved and there is a moderate physicochemical difference between arginine and proline. This variant is not present in population databases (ExAC no frequency). This variant has not been reported in the literature in individuals affected with CLN8-related conditions. Algorithms developed to predict the effect of missense changes on protein structure and function are either unavailable or do not agree on the potential impact of this missense change (SIFT: "Deleterious"; PolyPhen-2: "Probably Damaging"; Align-GVGD: "Class C0"). In summary, the available evidence is currently insufficient to determine the role of this variant in disease. Therefore, it has been classified as a Variant of Uncertain Significance.

Literature cited by the submitters: PubMed 21990111 (cited by 3billion).

NM_018941.4(CLN8):c.209G>C (p.Arg70Pro)

Gene: CLN8 (CLN8 transmembrane ER and ERGIC protein; plus strand). Cytogenetic location: 8p23.3.
Variant type: single nucleotide variant.
Coding change: c.209G>C on transcript NM_018941.4 (MANE Select); coding-DNA position 209, G replaced by C.
Protein change: p.Arg70Pro; replaces arginine 70 with proline.
Molecular consequence: missense variant.
Genome position (GRCh38, 1-based): chr8:1,771,263, G>C. VCF-style: chr8-1771263-G-C. GRCh37 (hg19) VCF-style: chr8-1719429-G-C.
Other names: short protein forms R70P.
Identifiers: ClinVar variation 1063566 (VCV001063566.4), dbSNP rs386834124, ClinGen allele CA369953092.